The following is an entry in ClinVar:

NM_004595.5(SMS):c.25C>G (p.Leu9Val)

Genes: SMS (spermine synthase; plus strand), LOC130068040 (ATAC-STARR-seq lymphoblastoid silent region 20700; plus strand). Cytogenetic location: Xp22.11.
Variant type: single nucleotide variant.
Coding change: c.25C>G on transcript NM_004595.5 (MANE Select); coding-DNA position 25, C replaced by G.
Protein change: p.Leu9Val; replaces leucine 9 with valine.
Molecular consequence: missense variant.
Genome position (GRCh38, 1-based): chrX:21,940,849, C>G. VCF-style: chrX-21940849-C-G. GRCh37 (hg19) VCF-style: chrX-21958967-C-G.
Other names: c.25C>G, p.Leu9Val (NM_001258423.2); short protein forms L9V.
Identifiers: ClinVar variation 3774127 (VCV003774127.1).

ClinVar aggregate classification (germline): Uncertain significance (1 of 4 stars; one submission).

Submission:

GeneDx
Classification: Uncertain significance. Last evaluated: 2024-09-20. Review status: criteria provided, single submitter. Criteria: GeneDx Variant Classification Process June 2021. Collection method: clinical testing. Allele origin: germline. Affected: yes.
Comment: Not observed at significant frequency in large population cohorts (gnomAD); In silico analysis indicates that this missense variant does not alter protein structure/function; Has not been previously published as pathogenic or benign to our knowledge